The following is an entry in ClinVar:

ClinVar aggregate classification (germline): Conflicting classifications of pathogenicity. Review status: criteria provided, conflicting classifications (1 of 4 stars). 3 submissions from 3 submitters: Uncertain significance (1); Likely benign (1). 1 of the submissions does not count toward it. Last evaluated 2026-01-24.

Conditions:
Charlevoix-Saguenay spastic ataxia (SACS). Also called: SPASTIC ATAXIA 6, AUTOSOMAL RECESSIVE; AUTOSOMAL RECESSIVE SPASTIC ATAXIA OF CHARLEVOIX-SAGUENAY; Spastic ataxia of Charlevoix-Saguenay. Identifiers: Orphanet 98, MedGen C1849140, MONDO:0010041, OMIM 270550.
Spastic paraplegia. Identifiers: MedGen C0037772, HP:0001258.

Allele frequency attached by ClinVar (database versions not stated): gnomAD exomes 0.00002 and 0.00003; TOPMed 0.00002; ExAC 0.00003; gnomAD 0.00001 and 0.00002.
gnomAD v4.1: 35 of 1,613,688 alleles (0.0022%); highest among the groups gnomAD compares: East Asian, 0.0045%; no homozygotes.

Submissions (3):

Labcorp Genetics (formerly Invitae), Labcorp
Classification: Likely benign for Spastic paraplegia. Last evaluated: 2026-01-24. Review status: criteria provided, single submitter. Criteria: Invitae Variant Classification Sherloc (09022015). Collection method: clinical testing. Allele origin: germline.

Athena Diagnostics
Classification: Uncertain significance. Last evaluated: 2025-04-04. Review status: criteria provided, single submitter. Criteria: Athena Diagnostics Criteria. Collection method: clinical testing. Allele origin: unknown.
Comment: Available data are insufficient to determine the clinical significance of the variant at this time. The frequency of this variant in the general population is uninformative in assessment of its pathogenicity. Polyphen and MutationTaster predict this amino acid change may be damaging to the protein.

Natera, Inc.
Classification: Uncertain significance for Charlevoix-Saguenay type spastic ataxia. Last evaluated: 2020-05-19. Review status: no assertion criteria provided. Collection method: clinical testing. Allele origin: germline. Not counted in ClinVar's aggregate classification.

NM_014363.6(SACS):c.8900G>A (p.Arg2967His)

Gene: SACS (sacsin molecular chaperone; minus strand). Cytogenetic location: 13q12.12.
Variant type: single nucleotide variant.
Coding change: c.8900G>A on transcript NM_014363.6 (MANE Select); coding-DNA position 8900, G replaced by A.
Protein change: p.Arg2967His; replaces arginine 2967 with histidine.
Molecular consequence: missense variant.
Genome position (GRCh38, 1-based): chr13:23,334,976, C>T on the plus strand (G>A on the coding strand, the complement: SACS is on the minus strand). VCF-style: chr13-23334976-C-T. GRCh37 (hg19) VCF-style: chr13-23909115-C-T.
Other names: c.8900G>A (NM_014363.4); c.8459G>A, p.Arg2820His (NM_001278055.2); short protein forms R2820H, R2967H.
Identifiers: ClinVar variation 968945 (VCV000968945.11), dbSNP rs777753707, ClinGen allele CA6910698.